The following is an entry in ClinVar:

NM_024642.5(GALNT12):c.338T>C (p.Leu113Pro)

Gene: GALNT12 (polypeptide N-acetylgalactosaminyltransferase 12; plus strand). Cytogenetic location: 9q22.33.
Variant type: single nucleotide variant.
Coding change: c.338T>C on transcript NM_024642.5 (MANE Select); coding-DNA position 338, T replaced by C.
Protein change: p.Leu113Pro; replaces leucine 113 with proline.
Molecular consequence: missense variant.
Genome position (GRCh38, 1-based): chr9:98,808,036, T>C. VCF-style: chr9-98808036-T-C. GRCh37 (hg19) VCF-style: chr9-101570318-T-C.
Other names: short protein forms L113P.
Identifiers: ClinVar variation 823710 (VCV000823710.12), dbSNP rs1207767530, ClinGen allele CA374223039.

ClinVar aggregate classification (germline): Uncertain significance. Review status: criteria provided, multiple submitters, no conflicts (2 of 4 stars). 2 submissions from 2 submitters: Uncertain significance (2). Last evaluated 2024-08-08.

Submissions (2):

Labcorp Genetics (formerly Invitae), Labcorp
Classification: Uncertain significance. Last evaluated: 2024-08-08. Review status: criteria provided, single submitter. Criteria: Invitae Variant Classification Sherloc (09022015). Collection method: clinical testing. Allele origin: germline.
Comment: This sequence change replaces leucine, which is neutral and non-polar, with proline, which is neutral and non-polar, at codon 113 of the GALNT12 protein (p.Leu113Pro). This variant is not present in population databases (gnomAD no frequency). This variant has not been reported in the literature in individuals affected with GALNT12-related conditions. ClinVar contains an entry for this variant (Variation ID: 823710). Advanced modeling of protein sequence and biophysical properties (such as structural, functional, and spatial information, amino acid conservation, physicochemical variation, residue mobility, and thermodynamic stability) performed at Invitae indicates that this missense variant is not expected to disrupt GALNT12 protein function with a negative predictive value of 80%. In summary, the available evidence is currently insufficient to determine the role of this variant in disease. Therefore, it has been classified as a Variant of Uncertain Significance.

Ambry Genetics
Classification: Uncertain significance. Last evaluated: 2024-03-22. Review status: criteria provided, single submitter. Criteria: Ambry Variant Classification Scheme 2023. Collection method: clinical testing. Allele origin: germline.
Comment: The p.L113P variant (also known as c.338T>C), located in coding exon 1 of the GALNT12 gene, results from a T to C substitution at nucleotide position 338. The leucine at codon 113 is replaced by proline, an amino acid with similar properties. This amino acid position is highly conserved in available vertebrate species. In addition, the in silico prediction for this alteration is inconclusive. The evidence for this gene-disease relationship is limited; therefore, the clinical significance of this alteration is unclear.